The following is an entry in ClinVar:

ClinVar aggregate classification (germline): Pathogenic. Review status: criteria provided, multiple submitters, no conflicts (2 of 4 stars). 2 submissions from 2 submitters: Pathogenic (2). Last evaluated 2025-09-25.

Conditions:
MED13L-related disorder. Also called: MED13L-related condition.
Cardiac anomalies - developmental delay - facial dysmorphism syndrome (MRFACD). Also called: MED13L Syndrome; Impaired intellectual development and distinctive facial features with or without cardiac defects. Identifiers: Orphanet 369891, MedGen C5192431, MONDO:0014773, OMIM 616789.

Submissions (2):

Variantyx, Inc.
Classification: Pathogenic for Cardiac anomalies - developmental delay - facial dysmorphism syndrome. Last evaluated: 2025-09-25. Review status: criteria provided, single submitter. Criteria: Variantyx Assertion Criteria 2022. Collection method: clinical testing. Allele origin: de novo. Inheritance: Autosomal dominant inheritance. Affected: yes.
Comment: This is a start-loss variant in the MED13L gene (OMIM: 608771). Pathogenic variants in this gene have been associated with autosomal dominant impaired intellectual development and distinctive facial features with or without cardiac defects. This variant results in loss of the initiation codonand is expected to result in loss of function, which is a known disease mechanism for MED13L in this disorder (PMID: 25712080;25758992) (PVS1). This variant is absent from control populations (PM2). Based on the current evidence, this variant is classified as pathogenic for autosomal dominant impaired intellectual development and distinctive facial features with or without cardiac defects. This variant was reported by previous genetic testing.

GeneDx
Classification: Pathogenic. Last evaluated: 2017-05-19. Review status: criteria provided, single submitter. Criteria: GeneDx Variant Classification (06012015). Collection method: clinical testing. Allele origin: germline. Affected: yes.
Comment: The c.1A>G variant in the MED13L gene has not been reported previously as a pathogenic variant nor as a benign variant, to our knowledge. As this variant changes the translation initiator Methionine codon, the resultant protein is described as p.Met1?, using a question mark to signify that it is not known if the loss of Met1 means that all protein translation is completely prevented or if an abnormal protein is produced using an alternate Methionine. The c.1A>G variant is not observed in large population cohorts (Lek et al., 2016; 1000 Genomes Consortium et al., 2015; Exome Variant Server). We interpret c.1A>G as a pathogenic variant.

Literature cited by the submitters: PubMed 25712080 (cited by Variantyx, Inc.); PubMed 25758992 (cited by Variantyx, Inc.).

NM_015335.5(MED13L):c.1A>G (p.Met1Val)

Gene: MED13L (mediator complex subunit 13L; minus strand). Cytogenetic location: 12q24.21.
Variant type: single nucleotide variant.
Coding change: c.1A>G on transcript NM_015335.5 (MANE Select); coding-DNA position 1, A replaced by G.
Protein change: p.Met1Val; changes the start codon (methionine 1).
Molecular consequence: missense variant, initiator codon variant.
Genome position (GRCh38, 1-based): chr12:116,277,131, T>C on the plus strand (A>G on the coding strand, the complement: MED13L is on the minus strand). VCF-style: chr12-116277131-T-C. GRCh37 (hg19) VCF-style: chr12-116714936-T-C.
Other names: short protein forms M1V.
Identifiers: ClinVar variation 430179 (VCV000430179.6), dbSNP rs1131691818, ClinGen allele CA386928015.